The following is an entry in ClinVar:

NM_001130987.2(DYSF):c.5458-1G>A

Gene: DYSF (dysferlin; plus strand). Cytogenetic location: 2p13.2.
Variant type: single nucleotide variant.
Coding change: c.5458-1G>A on transcript NM_001130987.2 (MANE Select); the canonical splice acceptor site of the intron before coding-DNA position 5458, G replaced by A.
Molecular consequence: splice acceptor variant.
Genome position (GRCh38, 1-based): chr2:71,668,753, G>A. VCF-style: chr2-71668753-G-A. GRCh37 (hg19) VCF-style: chr2-71895883-G-A.
Other names: c.5434-1G>A (NM_001130979.2); c.5455-1G>A (NM_001130981.2); c.5392-1G>A (NM_001130980.2); c.5404-1G>A (NM_001130978.2); c.5341-1G>A (NM_003494.4); c.5362-1G>A (NM_001130977.2); c.5299-1G>A (NM_001130976.2); c.5437-1G>A (NM_001130982.2); and 5 more.
Identifiers: ClinVar variation 284470 (VCV000284470.16), dbSNP rs886042879, ClinGen allele CA10604805.

ClinVar aggregate classification (germline): Pathogenic. Review status: criteria provided, multiple submitters, no conflicts (2 of 4 stars). 4 submissions from 4 submitters: Pathogenic (4). Last evaluated 2023-10-15.

Conditions:
Neuromuscular disease caused by qualitative or quantitative defects of dysferlin. Also called: Dysferlinopathy; Qualitative or quantitative defects of dysferlin. Identifiers: Orphanet 207073, MedGen C2931687, MONDO:0016145.
Miyoshi muscular dystrophy 1 (MMD1). Identifiers: Orphanet 45448, MedGen C4551973, MONDO:0024545, OMIM 254130.

Allele frequency attached by ClinVar (database versions not stated): gnomAD exomes 0.00001.
gnomAD v4.1: 8 of 1,613,504 alleles (0.0005%); highest among the groups gnomAD compares: South Asian, 0.0088%; 1 homozygote.

Submissions (4):

Labcorp Genetics (formerly Invitae), Labcorp
Classification: Pathogenic for Neuromuscular disease caused by qualitative or quantitative defects of dysferlin. Last evaluated: 2023-10-15. Review status: criteria provided, single submitter. Criteria: Invitae Variant Classification Sherloc (09022015). Collection method: clinical testing. Allele origin: germline.
Comment: This sequence change affects an acceptor splice site in intron 47 of the DYSF gene. It is expected to disrupt RNA splicing. Variants that disrupt the donor or acceptor splice site typically lead to a loss of protein function (PMID: 16199547), and loss-of-function variants in DYSF are known to be pathogenic (PMID: 17698709, 20301480). This variant is present in population databases (no rsID available, gnomAD 0.01%). Disruption of this splice site has been observed in individual(s) with DYSF-related conditions (PMID: 19528035, 33610434). ClinVar contains an entry for this variant (Variation ID: 284470). Algorithms developed to predict the effect of sequence changes on RNA splicing suggest that this variant may disrupt the consensus splice site. For these reasons, this variant has been classified as Pathogenic.

Baylor Genetics
Classification: Pathogenic for Miyoshi muscular dystrophy 1. Last evaluated: 2023-01-16. Review status: criteria provided, single submitter. Criteria: ACMG Guidelines, 2015. Collection method: clinical testing. Allele origin: unknown.

Revvity Omics, Revvity
Classification: Pathogenic. Last evaluated: 2022-09-08. Review status: criteria provided, single submitter. Criteria: ACMG Guidelines, 2015. Collection method: clinical testing. Allele origin: germline.

Eurofins Ntd Llc (ga)
Classification: Pathogenic. Last evaluated: 2016-06-06. Review status: criteria provided, single submitter. Criteria: EGL Classification Definitions 2015. Collection method: clinical testing. Allele origin: germline. Observed: 2 variant alleles, 1 heterozygote, 1 homozygote.

Literature cited by the submitters: PubMed 16199547 (cited by Labcorp Genetics (formerly Invitae), Labcorp); PubMed 17698709 (cited by Labcorp Genetics (formerly Invitae), Labcorp); PubMed 20301480 (cited by Labcorp Genetics (formerly Invitae), Labcorp); PubMed 19528035 (cited by Labcorp Genetics (formerly Invitae), Labcorp); PubMed 33610434 (cited by Labcorp Genetics (formerly Invitae), Labcorp).